The following is an entry in ClinVar:

NM_000045.4(ARG1):c.646_649del (p.Leu216fs)

Genes: ARG1 (arginase 1; plus strand), MED23 (mediator complex subunit 23; minus strand). Cytogenetic location: 6q23.2.
Variant type: Deletion.
Coding change: c.646_649del on transcript NM_000045.4 (MANE Select); coding-DNA positions 646 to 649, 4 bases deleted (CTCA; older notation c.646_649delCTCA).
Protein change: p.Leu216fs; shifts the reading frame from leucine 216.
Molecular consequence: frameshift variant. On other transcripts: non-coding transcript variant (1), intron variant (2).
Genome position (GRCh38, 1-based): chr6:131,583,145-131,583,148, CTCA deleted; deleting any 4 consecutive bases within chr6:131,583,143-131,583,148 gives the same sequence; the c. name uses the placement nearest the transcript's 3' end. VCF-style (leftmost placement, unchanged base first): chr6-131583142-ACACT-A. GRCh37 (hg19) VCF-style: chr6-131904282-ACACT-A.
Other names: c.670_673del, p.Leu224fs (NM_001244438.2); c.391_394del, p.Leu131fs (NM_001369020.1); c.4077+4563_4077+4566del (NM_001270521.2); c.4095+4563_4095+4566del (NM_015979.4); short protein forms L216fs, L131fs, L224fs.
Identifiers: ClinVar variation 802269 (VCV000802269.9), dbSNP rs756080885, ClinGen allele CA3999326.
Genomic context (GRCh38, chr6:131,583,142, plus strand): 5'-ATTAAATACTTTTCAATGACTGAAGTGGACAGACTAGGAATTGGCAAGGTGATGGAAGAA[ACACT>A]CAGCTATCTACTAGGAAGGTAGGATTCTTTTGTGTGTGCACACATGTGTGTGCAACAGAA-3'

ClinVar aggregate classification (germline): Pathogenic. Review status: criteria provided, multiple submitters, no conflicts (2 of 4 stars). 3 submissions from 3 submitters: Pathogenic (3). Last evaluated 2024-03-27.

Conditions:
Arginase deficiency. Also called: ARGININEMIA; Arginase 1 Deficiency; ARG1 DEFICIENCY. Identifiers: Orphanet 90, MedGen C0268548, MONDO:0008814, OMIM 207800.

Submissions (3):

Baylor Genetics
Classification: Pathogenic for Arginase deficiency. Last evaluated: 2024-03-27. Review status: criteria provided, single submitter. Criteria: ACMG Guidelines, 2015. Collection method: clinical testing. Allele origin: unknown.

Labcorp Genetics (formerly Invitae), Labcorp
Classification: Pathogenic for Arginase deficiency. Last evaluated: 2023-02-04. Review status: criteria provided, single submitter. Criteria: Invitae Variant Classification Sherloc (09022015). Collection method: clinical testing. Allele origin: germline.
Comment: This sequence change creates a premature translational stop signal (p.Leu216Alafs*4) in the ARG1 gene. It is expected to result in an absent or disrupted protein product. Loss-of-function variants in ARG1 are known to be pathogenic (PMID: 7649538, 12052859). This variant is present in population databases (rs756080885, gnomAD 0.0009%). This premature translational stop signal has been observed in individual(s) with arginase deficiency (PMID: 23859858). ClinVar contains an entry for this variant (Variation ID: 802269). For these reasons, this variant has been classified as Pathogenic.

Mendelics
Classification: Pathogenic for Arginase deficiency. Last evaluated: 2019-05-28. Review status: criteria provided, single submitter. Criteria: Mendelics Assertion Criteria 2017. Collection method: clinical testing. Allele origin: unknown.

Literature cited by the submitters: PubMed 7649538 (cited by Labcorp Genetics (formerly Invitae), Labcorp); PubMed 12052859 (cited by Labcorp Genetics (formerly Invitae), Labcorp); PubMed 23859858 (cited by Labcorp Genetics (formerly Invitae), Labcorp).